The following is an entry in ClinVar:

NC_000008.10:g.(?_145550080)_(145550299_?)del

Gene: DGAT1 (diacylglycerol O-acyltransferase 1; minus strand). Cytogenetic location: 8q24.3.
Variant type: Deletion.
Identifiers: ClinVar variation 3245577 (VCV003245577.1).

ClinVar aggregate classification (germline): Pathogenic (1 of 4 stars; one submission).

Submission:

Labcorp Genetics (formerly Invitae), Labcorp
Classification: Pathogenic. Last evaluated: 2023-11-14. Review status: criteria provided, single submitter. Criteria: Invitae Variant Classification Sherloc (09022015). Collection method: clinical testing. Allele origin: unknown.
Comment: This variant is a gross deletion of the genomic region encompassing exon(s) 1 of the DGAT1 gene, which includes the initiator codon. This deletion extends beyond the assayed region for this gene and therefore may encompass additional genes. It is expected to result in an absent or disrupted protein product. Loss-of-function variants in DGAT1 are known to be pathogenic (PMID: 29604290). This variant has not been reported in the literature in individuals affected with DGAT1-related conditions. For these reasons, this variant has been classified as Pathogenic.

Literature cited by the submitters: PubMed 29604290.